The following is an entry in ClinVar:

ClinVar aggregate classification (germline): Likely benign (1 of 4 stars; one submission).

gnomAD v4.1: 669 of 1,614,092 alleles (0.041%); highest among the groups gnomAD compares: African/African-American, 0.78%; 2 homozygotes.

Submission:

CeGaT Center for Human Genetics Tuebingen
Classification: Likely benign. Last evaluated: 2026-07-01. Review status: criteria provided, single submitter. Criteria: CeGaT Center For Human Genetics Tuebingen Variant Classification Criteria Version 2. Collection method: clinical testing. Allele origin: germline. Affected: yes. Observed: 1 variant allele.
Comment: KRT86: BP4, BP7

NM_001320198.2(KRT86):c.933C>T (p.His311=)

Gene: KRT86 (keratin 86; plus strand). Cytogenetic location: 12q13.13.
Variant type: single nucleotide variant.
Coding change: c.933C>T on transcript NM_001320198.2 (MANE Select); coding-DNA position 933, C replaced by T.
Protein change: p.His311=; no amino-acid change (histidine 311 retained).
Molecular consequence: synonymous variant.
Genome position (GRCh38, 1-based): chr12:52,305,695, C>T. VCF-style: chr12-52305695-C-T. GRCh37 (hg19) VCF-style: chr12-52699479-C-T.
Identifiers: ClinVar variation 5038835 (VCV005038835.1).